The following is an entry in ClinVar:

ClinVar aggregate classification (germline): Uncertain significance (1 of 4 stars; one submission).

gnomAD v4.1: 4 of 1,614,188 alleles (0.00025%); highest among the groups gnomAD compares: South Asian, 0.0033%; no homozygotes.

Submission:

Ambry Genetics
Classification: Uncertain significance. Last evaluated: 2026-06-10. Review status: criteria provided, single submitter. Criteria: Ambry Variant Classification Scheme 2023. Collection method: clinical testing. Allele origin: germline.
Comment: The p.S474F variant (also known as c.1421C>T), located in coding exon 8 of the RNF43 gene, results from a C to T substitution at nucleotide position 1421. The serine at codon 474 is replaced by phenylalanine, an amino acid with highly dissimilar properties. This amino acid position is conserved. In addition, this alteration is predicted to be tolerated by in silico analysis. Based on the available evidence, the clinical significance of this variant remains unclear.

NM_017763.6(RNF43):c.1421C>T (p.Ser474Phe)

Gene: RNF43 (ring finger protein 43; minus strand). Cytogenetic location: 17q22.
Variant type: single nucleotide variant.
Coding change: c.1421C>T on transcript NM_017763.6 (MANE Select); coding-DNA position 1421, C replaced by T.
Protein change: p.Ser474Phe; replaces serine 474 with phenylalanine.
Molecular consequence: missense variant.
Genome position (GRCh38, 1-based): chr17:58,358,355, G>A on the plus strand (C>T on the coding strand, the complement: RNF43 is on the minus strand). VCF-style: chr17-58358355-G-A. GRCh37 (hg19) VCF-style: chr17-56435716-G-A.
Other names: c.1421C>T, p.Ser474Phe (NM_001305544.3, NM_001438820.1, NM_001438821.1 and 1 more transcripts); c.1040C>T, p.Ser347Phe (NM_001305545.2, NM_001437987.1); short protein forms S347F, S474F.
Identifiers: ClinVar variation 4863437 (VCV004863437.1).